The following is an entry in ClinVar:

NC_000005.9:g.(?_86627145)_(86672402_?)dup

Gene: RASA1 (RAS p21 protein activator 1; plus strand). Cytogenetic location: 5q14.3.
Variant type: Duplication.
Identifiers: ClinVar variation 1508229 (VCV001508229.5).

ClinVar aggregate classification (germline): Likely pathogenic (1 of 4 stars; one submission).

Conditions:
Capillary malformation-arteriovenous malformation syndrome. Also called: Capillary malformation-arteriovenous malformation. Identifiers: Orphanet 137667, MedGen C1842180, MONDO:0012016.

Submission:

Labcorp Genetics (formerly Invitae), Labcorp
Classification: Likely pathogenic for Capillary malformation-arteriovenous malformation syndrome. Last evaluated: 2021-06-16. Review status: criteria provided, single submitter. Criteria: Invitae Variant Classification Sherloc (09022015). Collection method: clinical testing. Allele origin: germline.
Comment: In summary, the currently available evidence indicates that the variant is pathogenic, but additional data are needed to prove that conclusively. Therefore, this variant has been classified as Likely Pathogenic. This variant has not been reported in the literature in individuals with RASA1-related conditions. This variant results in a copy number gain of the genomic region encompassing exon(s) 2-16 of the RASA1 gene. While the exact position of this variant cannot be determined from the data, sub-genic copy number gains are generally in tandem (PMID: 25640679). This variant is predicted to be out-of-frame, and may result in an absent or disrupted protein product. Loss-of-function variants in RASA1 are known to be pathogenic (PMID: 24038909).

Literature cited by the submitters: PubMed 25640679; PubMed 24038909.